The following is an entry in ClinVar:

NM_004064.5(CDKN1B):c.476-17A>G

Gene: CDKN1B (cyclin dependent kinase inhibitor 1B; plus strand). Cytogenetic location: 12p13.1.
Variant type: single nucleotide variant.
Coding change: c.476-17A>G on transcript NM_004064.5 (MANE Select); 17 bases into the intron before coding-DNA position 476, A replaced by G.
Molecular consequence: intron variant.
Genome position (GRCh38, 1-based): chr12:12,718,808, A>G. VCF-style: chr12-12718808-A-G. GRCh37 (hg19) VCF-style: chr12-12871742-A-G.
Identifiers: ClinVar variation 2751860 (VCV002751860.3), dbSNP rs2136357184, ClinGen allele CA2697559115.

ClinVar aggregate classification (germline): Uncertain significance (1 of 4 stars; one submission).

Conditions:
Multiple endocrine neoplasia type 4. Also called: MULTIPLE ENDOCRINE NEOPLASIA, TYPE IV. Identifiers: Orphanet 276152, MedGen C1970712, MONDO:0012552, OMIM 610755.

Submission:

Labcorp Genetics (formerly Invitae), Labcorp
Classification: Uncertain significance for Multiple endocrine neoplasia type 4. Last evaluated: 2023-08-11. Review status: criteria provided, single submitter. Criteria: Invitae Variant Classification Sherloc (09022015). Collection method: clinical testing. Allele origin: germline.
Comment: In summary, the available evidence is currently insufficient to determine the role of this variant in disease. Therefore, it has been classified as a Variant of Uncertain Significance. Algorithms developed to predict the effect of sequence changes on RNA splicing suggest that this variant may disrupt the consensus splice site. This variant has not been reported in the literature in individuals affected with CDKN1B-related conditions. This variant is not present in population databases (gnomAD no frequency). This sequence change falls in intron 1 of the CDKN1B gene. It does not directly change the encoded amino acid sequence of the CDKN1B protein.